The following is an entry in ClinVar:

NM_152564.5(VPS13B):c.1972A>T (p.Asn658Tyr)

Gene: VPS13B (vacuolar protein sorting 13 homolog B; plus strand). Cytogenetic location: 8q22.2.
Variant type: single nucleotide variant.
Coding change: c.1972A>T on transcript NM_152564.5 (MANE Select); coding-DNA position 1972, A replaced by T.
Protein change: p.Asn658Tyr; replaces asparagine 658 with tyrosine.
Molecular consequence: missense variant.
Genome position (GRCh38, 1-based): chr8:99,147,969, A>T. VCF-style: chr8-99147969-A-T. GRCh37 (hg19) VCF-style: chr8-100160197-A-T.
Other names: c.1972A>T, p.Asn658Tyr (NM_015243.3, NM_017890.5); short protein forms N658Y.
Identifiers: ClinVar variation 1489635 (VCV001489635.8), dbSNP rs2132597122, ClinGen allele CA371864500.

ClinVar aggregate classification (germline): Uncertain significance (1 of 4 stars; one submission).

Conditions:
Cohen syndrome (COH1). Also called: PEPPER SYNDROME; Cutis verticis gyrata, retinitis pigmentosa, and sensorineural deafness. Identifiers: Orphanet 193, MedGen C0265223, MONDO:0008999, OMIM 216550.

Submission:

Labcorp Genetics (formerly Invitae), Labcorp
Classification: Uncertain significance for Cohen syndrome. Last evaluated: 2022-09-06. Review status: criteria provided, single submitter. Criteria: Invitae Variant Classification Sherloc (09022015). Collection method: clinical testing. Allele origin: germline.
Comment: Algorithms developed to predict the effect of missense changes on protein structure and function are either unavailable or do not agree on the potential impact of this missense change (SIFT: "Not Available"; PolyPhen-2: "Probably Damaging"; Align-GVGD: "Not Available"). ClinVar contains an entry for this variant (Variation ID: 1489635). This variant has not been reported in the literature in individuals affected with VPS13B-related conditions. This variant is not present in population databases (gnomAD no frequency). This sequence change replaces asparagine, which is neutral and polar, with tyrosine, which is neutral and polar, at codon 658 of the VPS13B protein (p.Asn658Tyr). In summary, the available evidence is currently insufficient to determine the role of this variant in disease. Therefore, it has been classified as a Variant of Uncertain Significance.